The following is an entry in ClinVar:

NM_016120.4(RLIM):c.1454G>T (p.Ser485Ile)

Gene: RLIM (ring finger protein, LIM domain interacting; minus strand). Cytogenetic location: Xq13.2.
Variant type: single nucleotide variant.
Coding change: c.1454G>T on transcript NM_016120.4 (MANE Select); coding-DNA position 1454, G replaced by T.
Protein change: p.Ser485Ile; replaces serine 485 with isoleucine.
Molecular consequence: missense variant.
Genome position (GRCh38, 1-based): chrX:74,591,861, C>A on the plus strand (G>T on the coding strand, the complement: RLIM is on the minus strand). VCF-style: chrX-74591861-C-A. GRCh37 (hg19) VCF-style: chrX-73811696-C-A.
Other names: c.1454G>T, p.Ser485Ile (NM_183353.3); short protein forms S485I.
Identifiers: ClinVar variation 2500377 (VCV002500377.1), dbSNP rs2079615632, ClinGen allele CA413660123.

ClinVar aggregate classification (germline): Uncertain significance (1 of 4 stars; one submission).

Submission:

GeneDx
Classification: Uncertain significance. Last evaluated: 2022-10-28. Review status: criteria provided, single submitter. Criteria: GeneDx Variant Classification Process June 2021. Collection method: clinical testing. Allele origin: germline. Affected: yes.
Comment: Not observed at significant frequency in large population cohorts (gnomAD); In silico analysis supports that this missense variant does not alter protein structure/function